The following is an entry in ClinVar:

NM_003079.5(SMARCE1):c.742A>G (p.Ile248Val)

Gene: SMARCE1 (SWI/SNF related BAF chromatin remodeling complex subunit E1; minus strand). Cytogenetic location: 17q21.2.
Variant type: single nucleotide variant.
Coding change: c.742A>G on transcript NM_003079.5 (MANE Select); coding-DNA position 742, A replaced by G.
Protein change: p.Ile248Val; replaces isoleucine 248 with valine.
Molecular consequence: missense variant.
Genome position (GRCh38, 1-based): chr17:40,631,666, T>C on the plus strand (A>G on the coding strand, the complement: SMARCE1 is on the minus strand). VCF-style: chr17-40631666-T-C. GRCh37 (hg19) VCF-style: chr17-38787918-T-C.
Other names: short protein forms I248V.
Identifiers: ClinVar variation 3446155 (VCV003446155.1).
Genomic context (GRCh38, chr17:40,631,666, plus strand): 5'-TGTTAAATGAATCTGTGCTTTCCAGGAATTTCCTCTTCTTCTCCTGGTGTCGTTCCTCTA[T>C]TTGAAGAAGTTCAGCTTCTAGTTTTCGCTGCAAGACAGGATCAGGCTTCATAATTGTGTC-3'
Protein context (NP_003070.3, residues 238-258): QRKLEAELLQ[Ile248Val]EERHQEKKRK

ClinVar aggregate classification (germline): Uncertain significance (1 of 4 stars; one submission).

Conditions:
Hereditary cancer-predisposing syndrome. Also called: Tumor predisposition; Neoplastic Syndromes, Hereditary; Hereditary neoplastic syndrome; Hereditary Cancer Syndrome. Identifiers: Orphanet 140162, MedGen C0027672, MeSH D009386, MONDO:0015356.

Submission:

Ambry Genetics
Classification: Uncertain significance for Hereditary cancer-predisposing syndrome. Last evaluated: 2024-11-15. Review status: criteria provided, single submitter. Criteria: Ambry Variant Classification Scheme 2023. Collection method: clinical testing. Allele origin: germline.
Comment: The p.I248V variant (also known as c.742A>G), located in coding exon 8 of the SMARCE1 gene, results from an A to G substitution at nucleotide position 742. The isoleucine at codon 248 is replaced by valine, an amino acid with highly similar properties. This amino acid position is conserved. In addition, this alteration is predicted to be tolerated by in silico analysis. Based on the available evidence, the clinical significance of this variant remains unclear.